The following is an entry in ClinVar:

ClinVar aggregate classification (germline): Conflicting classifications of pathogenicity. Review status: criteria provided, conflicting classifications (1 of 4 stars). 3 submissions from 3 submitters: Uncertain significance (2); Likely benign (1). Last evaluated 2026-07-01.

Conditions:
Ichthyosis vulgaris. Also called: ICHTHYOSIS SIMPLEX; Dominant ichthyosis vulgaris. Identifiers: MedGen C0079584, MONDO:0024304, OMIM 146700.

gnomAD v4.1: 1,710 of 1,614,050 alleles (0.11%); highest among the groups gnomAD compares: Non-Finnish European, 0.14%; 4 homozygotes.

Submissions (3):

CeGaT Center for Human Genetics Tuebingen
Classification: Likely benign. Last evaluated: 2026-07-01. Review status: criteria provided, single submitter. Criteria: CeGaT Center For Human Genetics Tuebingen Variant Classification Criteria Version 2. Collection method: clinical testing. Allele origin: germline. Affected: yes. Observed: 1 variant allele.
Comment: FLG: BP4

Blueprint Genetics
Classification: Uncertain significance. Last evaluated: 2024-11-18. Review status: criteria provided, single submitter. Criteria: ACMG Guidelines, 2015. Collection method: clinical testing. Allele origin: germline.

Department of Pathology and Laboratory Medicine, Sinai Health System
Classification: Uncertain significance for Ichthyosis vulgaris. Last evaluated: 2022-05-27. Review status: criteria provided, single submitter. Criteria: ACMG Guidelines, 2015. Collection method: research. Allele origin: germline.

NM_002016.2(FLG):c.3184G>A (p.Gly1062Arg)

Genes: CCDST (cervical cancer associated DHX9 suppressive transcript; plus strand), FLG (filaggrin; minus strand). Cytogenetic location: 1q21.3.
Variant type: single nucleotide variant.
Coding change: c.3184G>A on transcript NM_002016.2 (MANE Select); coding-DNA position 3184, G replaced by A.
Protein change: p.Gly1062Arg; replaces glycine 1062 with arginine.
Molecular consequence: missense variant.
Genome position (GRCh38, 1-based): chr1:152,311,702, C>T on the plus strand (G>A on the coding strand, the complement: FLG is on the minus strand). VCF-style: chr1-152311702-C-T. GRCh37 (hg19) VCF-style: chr1-152284178-C-T.
Other names: short protein forms G1062R.
Identifiers: ClinVar variation 3892208 (VCV003892208.4).